The following is an entry in ClinVar:

ClinVar aggregate classification (germline): Uncertain significance (1 of 4 stars; one submission).

Allele frequency attached by ClinVar (database versions not stated): gnomAD exomes below 0.00001; TOPMed below 0.00001; ExAC 0.00001.
gnomAD v4.1: 1 of 1,613,302 alleles (0.000062%); highest among the groups gnomAD compares: Admixed American, 0.0017%; no homozygotes.

Submission:

Labcorp Genetics (formerly Invitae), Labcorp
Classification: Uncertain significance. Last evaluated: 2023-10-13. Review status: criteria provided, single submitter. Criteria: Invitae Variant Classification Sherloc (09022015). Collection method: clinical testing. Allele origin: germline.
Comment: This sequence change replaces asparagine, which is neutral and polar, with serine, which is neutral and polar, at codon 13 of the SEC63 protein (p.Asn13Ser). This variant is not present in population databases (gnomAD no frequency). This variant has not been reported in the literature in individuals affected with SEC63-related conditions. An algorithm developed to predict the effect of missense changes on protein structure and function (PolyPhen-2) suggests that this variant is likely to be tolerated. In summary, the available evidence is currently insufficient to determine the role of this variant in disease. Therefore, it has been classified as a Variant of Uncertain Significance.

NM_007214.5(SEC63):c.38A>G (p.Asn13Ser)

Gene: SEC63 (SEC63 protein translocation regulator; minus strand). Cytogenetic location: 6q21.
Variant type: single nucleotide variant.
Coding change: c.38A>G on transcript NM_007214.5 (MANE Select); coding-DNA position 38, A replaced by G.
Protein change: p.Asn13Ser; replaces asparagine 13 with serine.
Molecular consequence: missense variant.
Genome position (GRCh38, 1-based): chr6:107,957,972, T>C on the plus strand (A>G on the coding strand, the complement: SEC63 is on the minus strand). VCF-style: chr6-107957972-T-C. GRCh37 (hg19) VCF-style: chr6-108279176-T-C.
Other names: short protein forms N13S.
Identifiers: ClinVar variation 2793346 (VCV002793346.3), dbSNP rs750402958, ClinGen allele CA3947888.